The following is an entry in ClinVar:

ClinVar aggregate classification (germline): Likely benign (0 of 4 stars; one submission).

Conditions:
SEMA3A-related disorder. Also called: SEMA3A-related condition.

Allele frequency attached by ClinVar (database versions not stated): TOPMed 0.00001; gnomAD exomes 0.00002; ExAC 0.00003; 1000 Genomes Project 30x 0.00016; 1000 Genomes Project 0.00020.
gnomAD v4.1: 28 of 1,613,976 alleles (0.0017%); highest among the groups gnomAD compares: East Asian, 0.018%; no homozygotes.

Submission:

PreventionGenetics, part of Exact Sciences
Classification: Likely benign for SEMA3A-related condition. Last evaluated: 2023-01-13. Review status: no assertion criteria provided. Collection method: clinical testing. Allele origin: germline.
Comment: This variant is classified as likely benign based on ACMG/AMP sequence variant interpretation guidelines (Richards et al. 2015 PMID: 25741868, with internal and published modifications).

NM_006080.3(SEMA3A):c.2286C>T (p.His762=)

Gene: SEMA3A (semaphorin 3A; minus strand). Cytogenetic location: 7q21.11.
Variant type: single nucleotide variant.
Coding change: c.2286C>T on transcript NM_006080.3 (MANE Select); coding-DNA position 2286, C replaced by T.
Protein change: p.His762=; no amino-acid change (histidine 762 retained).
Molecular consequence: synonymous variant.
Genome position (GRCh38, 1-based): chr7:83,961,401, G>A on the plus strand (C>T on the coding strand, the complement: SEMA3A is on the minus strand). VCF-style: chr7-83961401-G-A. GRCh37 (hg19) VCF-style: chr7-83590717-G-A.
Identifiers: ClinVar variation 3029529 (VCV003029529.2), dbSNP rs561754532, ClinGen allele CA4322515.
Genomic context (GRCh38, chr7:83,961,401, plus strand): 5'-CTTGTTTGAGGTTTCTAGAGGTAATGCAGCTCAGACACTCCTGGGTGCCCTCTCAAATTC[G>A]TGGGTCCTCCTGTTTCTACCTTTCTTATTTTCTTGTAAGTGCTTCCATTTGTTACTGTTC-3'
Protein context (NP_006071.1, residues 752-771): ENKKGRNRRT[His762=]EFERAPRSV